The following is an entry in ClinVar:

ClinVar aggregate classification (germline): Uncertain significance (1 of 4 stars; one submission).

Conditions:
RASopathy. Also called: rasopathies; Noonan spectrum disorder. Identifiers: Orphanet 536391, MedGen C5555857, MONDO:0021060.

Submission:

Labcorp Genetics (formerly Invitae), Labcorp
Classification: Uncertain significance for RASopathy. Last evaluated: 2025-10-04. Review status: criteria provided, single submitter. Criteria: Invitae Variant Classification Sherloc (09022015). Collection method: clinical testing. Allele origin: germline.
Comment: This sequence change falls in intron 13 of the CBL gene. It does not directly change the encoded amino acid sequence of the CBL protein. It affects a nucleotide within the consensus splice site. This variant is not present in population databases (gnomAD no frequency). This variant has not been reported in the literature in individuals affected with CBL-related conditions. Variants that disrupt the consensus splice site are a relatively common cause of aberrant splicing (PMID: 17576681, 9536098). Algorithms developed to predict the effect of sequence changes on RNA splicing suggest that this variant is not likely to affect RNA splicing. In summary, the available evidence is currently insufficient to determine the role of this variant in disease. Therefore, it has been classified as a Variant of Uncertain Significance.

Literature cited by the submitters: PubMed 17576681; PubMed 9536098.

NM_005188.4(CBL):c.2153+3A>C

Gene: CBL (Cbl proto-oncogene; plus strand). Cytogenetic location: 11q23.3.
Variant type: single nucleotide variant.
Coding change: c.2153+3A>C on transcript NM_005188.4 (MANE Select); 3 bases into the intron after coding-DNA position 2153, A replaced by C.
Molecular consequence: intron variant.
Genome position (GRCh38, 1-based): chr11:119,297,037, A>C. VCF-style: chr11-119297037-A-C. GRCh37 (hg19) VCF-style: chr11-119167747-A-C.
Identifiers: ClinVar variation 4716014 (VCV004716014.1).